The following is an entry in ClinVar:

ClinVar aggregate classification (germline): Uncertain significance (1 of 4 stars; one submission).

Conditions:
Hereditary cancer-predisposing syndrome. Also called: Tumor predisposition; Hereditary Cancer Syndrome; Hereditary neoplastic syndrome; Neoplastic Syndromes, Hereditary. Identifiers: Orphanet 140162, MedGen C0027672, MeSH D009386, MONDO:0015356.

Submission:

Ambry Genetics
Classification: Uncertain significance for Hereditary cancer-predisposing syndrome. Last evaluated: 2026-02-04. Review status: criteria provided, single submitter. Criteria: Ambry Variant Classification Scheme 2023. Collection method: clinical testing. Allele origin: germline.
Comment: The c.3389+4A>G intronic variant results from an A to G substitution 4 nucleotides after coding exon 21 in the RAD50 gene. This nucleotide position is highly conserved in available vertebrate species. In silico splice site analysis predicts that this alteration will result in the creation or strengthening of a novel splice donor site. Based on the available evidence, the clinical significance of this variant remains unclear.

NM_005732.4(RAD50):c.3389+4A>G

Gene: RAD50 (RAD50 double strand break repair protein; plus strand). Cytogenetic location: 5q31.1.
Variant type: single nucleotide variant.
Coding change: c.3389+4A>G on transcript NM_005732.4 (MANE Select); 4 bases into the intron after coding-DNA position 3389, A replaced by G.
Molecular consequence: intron variant.
Genome position (GRCh38, 1-based): chr5:132,618,298, A>G. VCF-style: chr5-132618298-A-G. GRCh37 (hg19) VCF-style: chr5-131953990-A-G.
Identifiers: ClinVar variation 1730870 (VCV001730870.3), dbSNP rs2479388994, ClinGen allele CA2580072804.